The following is an entry in ClinVar:

NM_013447.4(ADGRE2):c.1556G>C (p.Ser519Thr)

Gene: ADGRE2 (adhesion G protein-coupled receptor E2; minus strand). Cytogenetic location: 19p13.12.
Variant type: single nucleotide variant.
Coding change: c.1556G>C on transcript NM_013447.4 (MANE Select); coding-DNA position 1556, G replaced by C.
Protein change: p.Ser519Thr; replaces serine 519 with threonine.
Molecular consequence: missense variant. On other transcripts: intron variant (1).
Genome position (GRCh38, 1-based): chr19:14,754,988, C>G on the plus strand (G>C on the coding strand, the complement: ADGRE2 is on the minus strand). VCF-style: chr19-14754988-C-G. GRCh37 (hg19) VCF-style: chr19-14865800-C-G.
Other names: c.1409G>C, p.Ser470Thr (NM_152916.2); c.1277G>C, p.Ser426Thr (NM_152917.2); c.1416+666G>C (NM_001271052.1); c.1556G>C (NM_013447.2); short protein forms S470T, S426T, S519T.
Identifiers: ClinVar variation 2970162 (VCV002970162.4), dbSNP rs563911043, ClinGen allele CA305704136.

ClinVar aggregate classification (germline): Uncertain significance. Review status: criteria provided, multiple submitters, no conflicts (2 of 4 stars). 2 submissions from 2 submitters: Uncertain significance (2). Last evaluated 2025-08-28.

Allele frequency attached by ClinVar (database versions not stated): gnomAD 0.00001; TOPMed 0.00001; 1000 Genomes Project 30x 0.00016; 1000 Genomes Project 0.00020.
gnomAD v4.1: 1 of 1,614,106 alleles (0.000062%); highest among the groups gnomAD compares: Admixed American, 0.0017%; no homozygotes.

Submissions (2):

Ambry Genetics
Classification: Uncertain significance. Last evaluated: 2025-08-28. Review status: criteria provided, single submitter. Criteria: Ambry Variant Classification Scheme 2023. Collection method: clinical testing. Allele origin: germline.

Labcorp Genetics (formerly Invitae), Labcorp
Classification: Uncertain significance. Last evaluated: 2023-07-16. Review status: criteria provided, single submitter. Criteria: Invitae Variant Classification Sherloc (09022015). Collection method: clinical testing. Allele origin: germline.
Comment: This sequence change replaces serine, which is neutral and polar, with threonine, which is neutral and polar, at codon 519 of the ADGRE2 protein (p.Ser519Thr). In summary, the available evidence is currently insufficient to determine the role of this variant in disease. Therefore, it has been classified as a Variant of Uncertain Significance. An algorithm developed to predict the effect of missense changes on protein structure and function (PolyPhen-2) suggests that this variant is likely to be disruptive. This variant has not been reported in the literature in individuals affected with ADGRE2-related conditions. This variant is not present in population databases (gnomAD no frequency).